The following is an entry in ClinVar:

ClinVar aggregate classification (germline): Uncertain significance (1 of 4 stars; one submission).

Submission:

CeGaT Center for Human Genetics Tuebingen
Classification: Uncertain significance. Last evaluated: 2025-07-01. Review status: criteria provided, single submitter. Criteria: CeGaT Center For Human Genetics Tuebingen Variant Classification Criteria Version 2. Collection method: clinical testing. Allele origin: germline. Affected: yes. Observed: 1 variant allele.
Comment: PLXNA1: PM2

NM_032242.4(PLXNA1):c.5598C>G (p.Ile1866Met)

Gene: PLXNA1 (plexin A1; plus strand). Cytogenetic location: 3q21.3.
Variant type: single nucleotide variant.
Coding change: c.5598C>G on transcript NM_032242.4 (MANE Select); coding-DNA position 5598, C replaced by G.
Protein change: p.Ile1866Met; replaces isoleucine 1866 with methionine.
Molecular consequence: missense variant.
Genome position (GRCh38, 1-based): chr3:127,033,924, C>G. VCF-style: chr3-127033924-C-G. GRCh37 (hg19) VCF-style: chr3-126752767-C-G.
Other names: short protein forms I1866M.
Identifiers: ClinVar variation 4084309 (VCV004084309.8).
Genomic context (GRCh38, chr3:127,033,924, plus strand): 5'-CTGCTGAGTGCATGGAGGCTGGTGGCCCGGCATGCTGACAGTTCTCCTGGCCCTGCAGAT[C>G]CTGGCAGCCCTGGAGAAGGATGAGCAGGCGCGGCGGCAGCGGCTGCGGAGCAAGCTGGAG-3'
Protein context (NP_115618.3, residues 1856-1876): YSYITKYKDE[Ile1866Met]LAALEKDEQA